The following is an entry in ClinVar:

ClinVar aggregate classification (germline): Benign/Likely benign. Review status: criteria provided, multiple submitters, no conflicts (2 of 4 stars). 4 submissions from 4 submitters: Benign (1); Likely benign (2). 1 of the submissions does not count toward it. Last evaluated 2026-01-06.

Conditions:
AP3B1-related disorder. Also called: AP3B1-related condition.
Hermansky-Pudlak syndrome 2 (HPS2). Also called: Platelet defects and oculocutaneous albinism. Identifiers: Orphanet 183678, Orphanet 79430, MedGen C1842362, MONDO:0011997, OMIM 608233.
Autoinflammatory syndrome. Identifiers: Orphanet 93665, MedGen C3890737, MONDO:0019751.

Allele frequency attached by ClinVar (database versions not stated): gnomAD 0.00002 and 0.00005; TOPMed 0.00002; gnomAD exomes 0.00012 and 0.00028; ExAC 0.00036; 1000 Genomes Project 30x 0.00047; 1000 Genomes Project 0.00060.
gnomAD v4.1: 176 of 1,607,832 alleles (0.011%); highest among the groups gnomAD compares: South Asian, 0.17%; 3 homozygotes.

Submissions (4):

Labcorp Genetics (formerly Invitae), Labcorp
Classification: Benign for Hermansky-Pudlak syndrome 2. Last evaluated: 2026-01-06. Review status: criteria provided, single submitter. Criteria: Invitae Variant Classification Sherloc (09022015). Collection method: clinical testing. Allele origin: germline.

Blueprint Genetics
Classification: Likely benign. Last evaluated: 2024-11-22. Review status: criteria provided, single submitter. Criteria: ACMG Guidelines, 2015. Collection method: clinical testing. Allele origin: germline.

Genome Diagnostics Laboratory, The Hospital for Sick Children
Classification: Likely benign for Autoinflammatory syndrome. Last evaluated: 2016-12-12. Review status: criteria provided, single submitter. Criteria: ACMG Guidelines, 2015. Collection method: clinical testing. Allele origin: germline. Affected: yes.

PreventionGenetics, part of Exact Sciences
Classification: Likely benign for AP3B1-related condition. Last evaluated: 2019-06-27. Review status: no assertion criteria provided. Collection method: clinical testing. Allele origin: germline. Not counted in ClinVar's aggregate classification.
Comment: This variant is classified as likely benign based on ACMG/AMP sequence variant interpretation guidelines (Richards et al. 2015 PMID: 25741868, with internal and published modifications).

NM_003664.5(AP3B1):c.1186T>C (p.Leu396=)

Gene: AP3B1 (adaptor related protein complex 3 subunit beta 1; minus strand). Cytogenetic location: 5q14.1.
Variant type: single nucleotide variant.
Coding change: c.1186T>C on transcript NM_003664.5 (MANE Select); coding-DNA position 1186, T replaced by C.
Protein change: p.Leu396=; no amino-acid change (leucine 396 retained).
Molecular consequence: synonymous variant.
Genome position (GRCh38, 1-based): chr5:78,165,654, A>G on the plus strand (T>C on the coding strand, the complement: AP3B1 is on the minus strand). VCF-style: chr5-78165654-A-G. GRCh37 (hg19) VCF-style: chr5-77461478-A-G.
Other names: c.1039T>C, p.Leu347= (NM_001271769.2).
Identifiers: ClinVar variation 1169673 (VCV001169673.15), dbSNP rs574476271, ClinGen allele CA3317145.